The following is an entry in ClinVar:

ClinVar aggregate classification (germline): Uncertain significance. Review status: criteria provided, multiple submitters, no conflicts (2 of 4 stars). 2 submissions from 2 submitters: Uncertain significance (2). Last evaluated 2026-07-06.

Conditions:
Deafness-lymphedema-leukemia syndrome. Also called: Emberger syndrome; Lymphedema, primary, with myelodysplasia. Identifiers: Orphanet 3226, MedGen C3279664, MONDO:0013540, OMIM 614038.
Monocytopenia with susceptibility to infections. Also called: IMMUNODEFICIENCY 21; GATA2 DEFICIENCY; MONOCYTOPENIA AND MYCOBACTERIAL INFECTION SYNDROME; MONOCYTOPENIA WITH SUSCEPTIBILITY TO MYCOBACTERIAL, FUNGAL, AND PAPILLOMAVIRUS INFECTIONS AND MYELODYSPLASIA; COMBINED IMMUNODEFICIENCY WITH SUSCEPTIBILITY TO MYCOBACTERIAL, VIRAL, AND FUNGAL INFECTIONS; Dendritic cell, monocyte, B lymphocyte, and natural killer lymphocyte deficiency. Identifiers: Orphanet 228423, MedGen C3280030, MONDO:0013607, OMIM 614172.
Inborn genetic diseases. Identifiers: MedGen C0950123, MeSH D030342.

Submissions (2):

Ambry Genetics
Classification: Uncertain significance for Inborn genetic diseases. Last evaluated: 2026-07-06. Review status: criteria provided, single submitter. Criteria: Ambry Variant Classification Scheme 2023. Collection method: clinical testing. Allele origin: germline.
Comment: The p.A434V variant (also known as c.1301C>T), located in coding exon 5 of the GATA2 gene, results from a C to T substitution at nucleotide position 1301. The alanine at codon 434 is replaced by valine, an amino acid with similar properties. This amino acid position is conserved. In addition, the in silico prediction for this alteration is inconclusive. Based on the available evidence, the clinical significance of this variant remains unclear.

Labcorp Genetics (formerly Invitae), Labcorp
Classification: Uncertain significance for Monocytopenia with susceptibility to infections; Deafness-lymphedema-leukemia syndrome. Last evaluated: 2020-12-24. Review status: criteria provided, single submitter. Criteria: Invitae Variant Classification Sherloc (09022015). Collection method: clinical testing. Allele origin: germline.
Comment: This variant has not been reported in the literature in individuals with GATA2-related conditions. This variant is not present in population databases (ExAC no frequency). This sequence change replaces alanine with valine at codon 434 of the GATA2 protein (p.Ala434Val). The alanine residue is moderately conserved and there is a small physicochemical difference between alanine and valine. Algorithms developed to predict the effect of missense changes on protein structure and function are either unavailable or do not agree on the potential impact of this missense change (SIFT: "Tolerated"; PolyPhen-2: "Probably Damaging"; Align-GVGD: "Class C0"). In summary, the available evidence is currently insufficient to determine the role of this variant in disease. Therefore, it has been classified as a Variant of Uncertain Significance. Algorithms developed to predict the effect of sequence changes on RNA splicing suggest that this variant may create or strengthen a splice site, but this prediction has not been confirmed by published transcriptional studies.

NM_032638.5(GATA2):c.1301C>T (p.Ala434Val)

Gene: GATA2 (GATA binding protein 2; minus strand). Cytogenetic location: 3q21.3.
Variant type: single nucleotide variant.
Coding change: c.1301C>T on transcript NM_032638.5 (MANE Select); coding-DNA position 1301, C replaced by T.
Protein change: p.Ala434Val; replaces alanine 434 with valine.
Molecular consequence: missense variant.
Genome position (GRCh38, 1-based): chr3:128,481,161, G>A on the plus strand (C>T on the coding strand, the complement: GATA2 is on the minus strand). VCF-style: chr3-128481161-G-A. GRCh37 (hg19) VCF-style: chr3-128200004-G-A.
Other names: c.1301C>T, p.Ala434Val (NM_001145661.2); c.1259C>T, p.Ala420Val (NM_001145662.1); c.1301C>T (NM_001145661.1); short protein forms A434V, A420V.
Identifiers: ClinVar variation 1497196 (VCV001497196.9), dbSNP rs2107667873, ClinGen allele CA354412815.
Genomic context (GRCh38, chr3:128,481,161, plus strand): 5'-GGCAGGATGTGTCCGGAGTGGCTGAAGGGCGGGAGGTGGCCCACAGGTGCCATGTGTCCA[G>A]CCAGGGCAGCTGCACTGAAGGGGGATGACTTCTCCTGCATGCACTTTGACAGCTCCTCGA-3'
Protein context (NP_116027.2, residues 424-444): KSSPFSAAAL[Ala434Val]GHMAPVGHLP